The following is an entry in ClinVar:

ClinVar aggregate classification (germline): Uncertain significance. Review status: criteria provided, single submitter (1 of 4 stars). 2 submissions from 2 submitters: Uncertain significance (1). 1 of the submissions does not count toward it. Last evaluated 2021-08-28.

Conditions:
Glycine encephalopathy. Also called: Non-ketotic hyperglycinemia; Nonketotic hyperglycinemia. Identifiers: Orphanet 407, MedGen C0751748, MONDO:0011612, HP:0008288.

Allele frequency attached by ClinVar (database versions not stated): gnomAD exomes below 0.00001 and 0.00001; TOPMed below 0.00001; gnomAD 0.00001.
gnomAD v4.1: 8 of 1,612,314 alleles (0.0005%); highest among the groups gnomAD compares: Non-Finnish European, 0.00068%; 1 homozygote.

Submissions (2):

Labcorp Genetics (formerly Invitae), Labcorp
Classification: Uncertain significance for Glycine encephalopathy. Last evaluated: 2021-08-28. Review status: criteria provided, single submitter. Criteria: Invitae Variant Classification Sherloc (09022015). Collection method: clinical testing. Allele origin: germline.
Comment: This sequence change replaces serine with cysteine at codon 547 of the GLDC protein (p.Ser547Cys). The serine residue is highly conserved and there is a moderate physicochemical difference between serine and cysteine. This variant is not present in population databases (ExAC no frequency). This variant has not been reported in the literature in individuals affected with GLDC-related conditions. Algorithms developed to predict the effect of missense changes on protein structure and function (SIFT, PolyPhen-2, Align-GVGD) all suggest that this variant is likely to be disruptive. In summary, the available evidence is currently insufficient to determine the role of this variant in disease. Therefore, it has been classified as a Variant of Uncertain Significance.

Natera, Inc.
Classification: Uncertain significance for Non-ketotic hyperglycinemia. Last evaluated: 2020-11-01. Review status: no assertion criteria provided. Collection method: clinical testing. Allele origin: germline. Not counted in ClinVar's aggregate classification.

NM_000170.3(GLDC):c.1640C>G (p.Ser547Cys)

Gene: GLDC (glycine decarboxylase; minus strand). Cytogenetic location: 9p24.1.
Variant type: single nucleotide variant.
Coding change: c.1640C>G on transcript NM_000170.3 (MANE Select); coding-DNA position 1640, C replaced by G.
Protein change: p.Ser547Cys; replaces serine 547 with cysteine.
Molecular consequence: missense variant.
Genome position (GRCh38, 1-based): chr9:6,588,643, G>C on the plus strand (C>G on the coding strand, the complement: GLDC is on the minus strand). VCF-style: chr9-6588643-G-C. GRCh37 (hg19) VCF-style: chr9-6588643-G-C.
Other names: short protein forms S547C.
Identifiers: ClinVar variation 573336 (VCV000573336.9), dbSNP rs1320151906, ClinGen allele CA372892585.